The following is an entry in ClinVar:

NM_000183.3(HADHB):c.632T>A (p.Leu211His)

Gene: HADHB (hydroxyacyl-CoA dehydrogenase trifunctional multienzyme complex subunit beta; plus strand). Cytogenetic location: 2p23.3.
Variant type: single nucleotide variant.
Coding change: c.632T>A on transcript NM_000183.3 (MANE Select); coding-DNA position 632, T replaced by A.
Protein change: p.Leu211His; replaces leucine 211 with histidine.
Molecular consequence: missense variant.
Genome position (GRCh38, 1-based): chr2:26,279,136, T>A. VCF-style: chr2-26279136-T-A. GRCh37 (hg19) VCF-style: chr2-26502004-T-A.
Other names: c.587T>A, p.Leu196His (NM_001281512.2); c.566T>A, p.Leu189His (NM_001281513.2); c.632T>A (NM_000183.2); short protein forms L189H, L196H, L211H.
Identifiers: ClinVar variation 1391892 (VCV001391892.7), dbSNP rs1446857112, ClinGen allele CA346092836.

ClinVar aggregate classification (germline): Uncertain significance. Review status: criteria provided, multiple submitters, no conflicts (2 of 4 stars). 2 submissions from 2 submitters: Uncertain significance (2). Last evaluated 2025-08-13.

Conditions:
Inborn genetic diseases. Identifiers: MedGen C0950123, MeSH D030342.
Mitochondrial trifunctional protein deficiency. Identifiers: Orphanet 746, MedGen C1969443, MONDO:0012172.

Allele frequency attached by ClinVar (database versions not stated): gnomAD exomes below 0.00001; TOPMed below 0.00001.
gnomAD v4.1: 1 of 1,612,928 alleles (0.000062%); highest among the groups gnomAD compares: Non-Finnish European, 0.000085%; no homozygotes.

Submissions (2):

Ambry Genetics
Classification: Uncertain significance for Inborn genetic diseases. Last evaluated: 2025-08-13. Review status: criteria provided, single submitter. Criteria: Ambry Variant Classification Scheme 2023. Collection method: clinical testing. Allele origin: germline.

Labcorp Genetics (formerly Invitae), Labcorp
Classification: Uncertain significance for Mitochondrial trifunctional protein deficiency. Last evaluated: 2022-06-27. Review status: criteria provided, single submitter. Criteria: Invitae Variant Classification Sherloc (09022015). Collection method: clinical testing. Allele origin: germline.
Comment: This sequence change replaces leucine, which is neutral and non-polar, with histidine, which is basic and polar, at codon 211 of the HADHB protein (p.Leu211His). In summary, the available evidence is currently insufficient to determine the role of this variant in disease. Therefore, it has been classified as a Variant of Uncertain Significance. Algorithms developed to predict the effect of missense changes on protein structure and function (SIFT, PolyPhen-2, Align-GVGD) all suggest that this variant is likely to be disruptive. This variant has not been reported in the literature in individuals affected with HADHB-related conditions. This variant is not present in population databases (gnomAD no frequency).